The following is an entry in ClinVar:

ClinVar aggregate classification (germline): Benign. Review status: criteria provided, multiple submitters, no conflicts (2 of 4 stars). 3 submissions from 3 submitters: Benign (2). 1 of the submissions does not count toward it. Last evaluated 2019-12-31.

Conditions:
FOXO1-related disorder. Also called: FOXO1-related condition.

Allele frequency attached by ClinVar (database versions not stated): ESP Exome Variant Server 0.00015; gnomAD 0.00076 and 0.00129; ExAC 0.00265; 1000 Genomes Project 0.00599; TOPMed 0.00118; gnomAD exomes 0.00259; 1000 Genomes Project 30x 0.00547.
gnomAD v4.1: 2,357 of 1,614,024 alleles (0.15%); highest among the groups gnomAD compares: East Asian, 3.3%; 39 homozygotes.

Submissions (3):

Labcorp Genetics (formerly Invitae), Labcorp
Classification: Benign. Last evaluated: 2019-12-31. Review status: criteria provided, single submitter. Criteria: Invitae Variant Classification Sherloc (09022015). Collection method: clinical testing. Allele origin: germline.

Breakthrough Genomics
Classification: Benign. Review status: criteria provided, single submitter. Criteria: ACMG Guidelines, 2015. Collection method: not provided. Allele origin: germline. Inheritance: Other. Affected: yes.

PreventionGenetics, part of Exact Sciences
Classification: Benign for FOXO1-related condition. Last evaluated: 2019-02-20. Review status: no assertion criteria provided. Collection method: clinical testing. Allele origin: germline. Not counted in ClinVar's aggregate classification.
Comment: This variant is classified as benign based on ACMG/AMP sequence variant interpretation guidelines (Richards et al. 2015 PMID: 25741868, with internal and published modifications).

NM_002015.4(FOXO1):c.1506G>A (p.Ser502=)

Gene: FOXO1 (forkhead box O1; minus strand). Cytogenetic location: 13q14.11.
Variant type: single nucleotide variant.
Coding change: c.1506G>A on transcript NM_002015.4 (MANE Select); coding-DNA position 1506, G replaced by A.
Protein change: p.Ser502=; no amino-acid change (serine 502 retained).
Molecular consequence: synonymous variant.
Genome position (GRCh38, 1-based): chr13:40,559,985, C>T on the plus strand (G>A on the coding strand, the complement: FOXO1 is on the minus strand). VCF-style: chr13-40559985-C-T. GRCh37 (hg19) VCF-style: chr13-41134122-C-T.
Identifiers: ClinVar variation 786748 (VCV000786748.7), dbSNP rs34650827, ClinGen allele CA6959027.
Genomic context (GRCh38, chr13:40,559,985, plus strand): 5'-ATGGGAGCTGGGATTCATCATTTTGTTATGAGATGCCTGGCTGCCATAGGTTGACATGAC[C>T]GAATTAGGGCCCATCATGACGTTCTGGCCCAGAACCCGGCTGTTGGGCTGGGCTACCCCA-3'
Protein context (NP_002006.2, residues 492-512): LGQNVMMGPN[Ser502=]VMSTYGSQAS